The following is an entry in ClinVar:

NM_025179.4(PLXNA2):c.935C>G (p.Ala312Gly)

Gene: PLXNA2 (plexin A2; minus strand). Cytogenetic location: 1q32.2.
Variant type: single nucleotide variant.
Coding change: c.935C>G on transcript NM_025179.4 (MANE Select); coding-DNA position 935, C replaced by G.
Protein change: p.Ala312Gly; replaces alanine 312 with glycine.
Molecular consequence: missense variant.
Genome position (GRCh38, 1-based): chr1:208,216,988, G>C on the plus strand (C>G on the coding strand, the complement: PLXNA2 is on the minus strand). VCF-style: chr1-208216988-G-C. GRCh37 (hg19) VCF-style: chr1-208390333-G-C.
Other names: short protein forms A312G.
Identifiers: ClinVar variation 3351155 (VCV003351155.1).

ClinVar aggregate classification (germline): Uncertain significance (0 of 4 stars; one submission).

Conditions:
PLXNA2-related disorder. Also called: PLXNA2-related condition.

gnomAD v4.1: 1 of 1,612,468 alleles (0.000062%); highest among the groups gnomAD compares: African/African-American, 0.0013%; no homozygotes.

Submission:

PreventionGenetics, part of Exact Sciences
Classification: Uncertain significance for PLXNA2-related condition. Last evaluated: 2024-04-10. Review status: no assertion criteria provided. Collection method: clinical testing. Allele origin: germline.
Comment: The PLXNA2 c.935C>G variant is predicted to result in the amino acid substitution p.Ala312Gly. To our knowledge, this variant has not been reported in the literature or in a large population database, indicating this variant is rare. At this time, the clinical significance of this variant is uncertain due to the absence of conclusive functional and genetic evidence.